The following is an entry in ClinVar:

NM_001112726.3(CEP170B):c.2560C>G (p.Pro854Ala)

Gene: CEP170B (centrosomal protein 170B; plus strand). Cytogenetic location: 14q32.33.
Variant type: single nucleotide variant.
Coding change: c.2560C>G on transcript NM_001112726.3 (MANE Select); coding-DNA position 2560, C replaced by G.
Protein change: p.Pro854Ala; replaces proline 854 with alanine.
Molecular consequence: missense variant.
Genome position (GRCh38, 1-based): chr14:104,886,799, C>G. VCF-style: chr14-104886799-C-G. GRCh37 (hg19) VCF-style: chr14-105353136-C-G.
Other names: c.2350C>G, p.Pro784Ala (NM_015005.3); short protein forms P784A, P854A.
Identifiers: ClinVar variation 3049682 (VCV003049682.2), dbSNP rs62641739, ClinGen allele CA7375901.

ClinVar aggregate classification (germline): Benign (0 of 4 stars; one submission).

Conditions:
CEP170B-related disorder. Also called: CEP170B-related condition.

Allele frequency attached by ClinVar (database versions not stated): gnomAD exomes 0.00065; ExAC 0.00199; ESP Exome Variant Server 0.00665; gnomAD 0.00703; 1000 Genomes Project 30x 0.00750; 1000 Genomes Project 0.00759; TOPMed 0.00809.
gnomAD v4.1: 2,088 of 1,611,578 alleles (0.13%); highest among the groups gnomAD compares: African/African-American, 2.5%; 32 homozygotes.

Submission:

PreventionGenetics, part of Exact Sciences
Classification: Benign for CEP170B-related condition. Last evaluated: 2019-04-27. Review status: no assertion criteria provided. Collection method: clinical testing. Allele origin: germline.
Comment: This variant is classified as benign based on ACMG/AMP sequence variant interpretation guidelines (Richards et al. 2015 PMID: 25741868, with internal and published modifications).